The following is an entry in ClinVar:

NM_001350162.2(TEX15):c.8755C>T (p.Gln2919Ter)

Gene: TEX15 (testis expressed 15, meiosis and synapsis associated; minus strand). Cytogenetic location: 8p12.
Variant type: single nucleotide variant.
Coding change: c.8755C>T on transcript NM_001350162.2 (MANE Select); coding-DNA position 8755, C replaced by T.
Protein change: p.Gln2919Ter; replaces glutamine 2919 with a stop codon.
Molecular consequence: nonsense.
Genome position (GRCh38, 1-based): chr8:30,837,529, G>A on the plus strand (C>T on the coding strand, the complement: TEX15 is on the minus strand). VCF-style: chr8-30837529-G-A. GRCh37 (hg19) VCF-style: chr8-30695045-G-A.
Other names: short protein forms Q2919*.
Identifiers: ClinVar variation 4077086 (VCV004077086.1).

ClinVar aggregate classification (germline): Likely pathogenic (1 of 4 stars; one submission).

Conditions:
Spermatogenic failure 25. Identifiers: MedGen C4693765, MONDO:0054729, OMIM 617960.

gnomAD v4.1: 14 of 1,613,492 alleles (0.00087%); highest among the groups gnomAD compares: Non-Finnish European, 0.0012%; no homozygotes.

Submission:

MVZ Medizinische Genetik Mainz
Classification: Likely pathogenic for Spermatogenic failure 25. Last evaluated: 2025-06-12. Review status: criteria provided, single submitter. Criteria: UK Practice Guidelines For Variant Classification V4 01 2020. Collection method: clinical testing. Allele origin: germline. Inheritance: Autosomal recessive inheritance. Affected: yes. Observed: 1 variant allele.
Comment: ACMG Criteria: PVS1,PM2_SUP